The following is an entry in ClinVar:

ClinVar aggregate classification (germline): Uncertain significance (1 of 4 stars; one submission).

Conditions:
Granulomatous disease, chronic, autosomal recessive, cytochrome b-positive, type 2. Also called: GRANULOMATOUS DISEASE, CHRONIC, AUTOSOMAL RECESSIVE, 2; Chronic granulomatous disease due to deficiency of NCF-2; CGD, AUTOSOMAL RECESSIVE CYTOCHROME b-POSITIVE, TYPE II; GRANULOMATOUS DISEASE, CHRONIC, DUE TO NCF2 DEFICIENCY; Chronic Granulomatous Disease, Autosomal Recessive, Cytochrome b-Positive, Type II. Identifiers: Orphanet 379, MedGen C1856245, MONDO:0009310, OMIM 233710.

Allele frequency attached by ClinVar (database versions not stated): ExAC 0.00001; gnomAD exomes 0.00001 and 0.00004.
gnomAD v4.1: 51 of 1,614,054 alleles (0.0032%); highest among the groups gnomAD compares: Non-Finnish European, 0.0041%; no homozygotes.

Submission:

Labcorp Genetics (formerly Invitae), Labcorp
Classification: Uncertain significance for Granulomatous disease, chronic, autosomal recessive, cytochrome b-positive, type 2. Last evaluated: 2020-07-08. Review status: criteria provided, single submitter. Criteria: Invitae Variant Classification Sherloc (09022015). Collection method: clinical testing. Allele origin: germline.
Comment: This sequence change falls in intron 4 of the NCF2 gene. It does not directly change the encoded amino acid sequence of the NCF2 protein, but it affects a nucleotide within the consensus splice site of the intron. This variant is present in population databases (rs749848761, ExAC 0.001%). This variant has not been reported in the literature in individuals with NCF2-related conditions. Nucleotide substitutions within the consensus splice site are a relatively common cause of aberrant splicing (PMID: 17576681, 9536098). Algorithms developed to predict the effect of sequence changes on RNA splicing suggest that this variant is not likely to affect RNA splicing, but this prediction has not been confirmed by published transcriptional studies. In summary, the available evidence is currently insufficient to determine the role of this variant in disease. Therefore, it has been classified as a Variant of Uncertain Significance.

Literature cited by the submitters: PubMed 17576681; PubMed 9536098.

NM_000433.4(NCF2):c.501+6C>T

Gene: NCF2 (neutrophil cytosolic factor 2; minus strand). Cytogenetic location: 1q25.3.
Variant type: single nucleotide variant.
Coding change: c.501+6C>T on transcript NM_000433.4 (MANE Select); 6 bases into the intron after coding-DNA position 501, C replaced by T.
Molecular consequence: intron variant.
Genome position (GRCh38, 1-based): chr1:183,574,481, G>A on the plus strand (C>T on the coding strand, the complement: NCF2 is on the minus strand). VCF-style: chr1-183574481-G-A. GRCh37 (hg19) VCF-style: chr1-183543616-G-A.
Other names: c.501+6C>T (NM_001127651.3); c.366+3118C>T (NM_001190789.2); c.367-1189C>T (NM_001190794.2).
Identifiers: ClinVar variation 1054886 (VCV001054886.6), dbSNP rs749848761, ClinGen allele CA1284957.